The following is an entry in ClinVar:

NM_000186.4(CFH):c.1777T>A (p.Leu593Met)

Gene: CFH (complement factor H; plus strand). Cytogenetic location: 1q31.3.
Variant type: single nucleotide variant.
Coding change: c.1777T>A on transcript NM_000186.4 (MANE Select); coding-DNA position 1777, T replaced by A.
Protein change: p.Leu593Met; replaces leucine 593 with methionine.
Molecular consequence: missense variant.
Genome position (GRCh38, 1-based): chr1:196,725,201, T>A. VCF-style: chr1-196725201-T-A. GRCh37 (hg19) VCF-style: chr1-196694331-T-A.
Other names: short protein forms L593M.
Identifiers: ClinVar variation 2851842 (VCV002851842.3), dbSNP rs1344334277, ClinGen allele CA343986101.

ClinVar aggregate classification (germline): Uncertain significance (1 of 4 stars; one submission).

Submission:

Labcorp Genetics (formerly Invitae), Labcorp
Classification: Uncertain significance. Last evaluated: 2023-04-03. Review status: criteria provided, single submitter. Criteria: Invitae Variant Classification Sherloc (09022015). Collection method: clinical testing. Allele origin: germline.
Comment: In summary, the available evidence is currently insufficient to determine the role of this variant in disease. Therefore, it has been classified as a Variant of Uncertain Significance. An algorithm developed to predict the effect of missense changes on protein structure and function (PolyPhen-2) suggests that this variant is likely to be disruptive. This variant has not been reported in the literature in individuals affected with CFH-related conditions. This variant is not present in population databases (gnomAD no frequency). This sequence change replaces leucine, which is neutral and non-polar, with methionine, which is neutral and non-polar, at codon 593 of the CFH protein (p.Leu593Met).